The following is an entry in ClinVar:

NM_004260.4(RECQL4):c.3218C>T (p.Thr1073Ile)

Gene: RECQL4 (RecQ like helicase 4; minus strand). Cytogenetic location: 8q24.3.
Variant type: single nucleotide variant.
Coding change: c.3218C>T on transcript NM_004260.4 (MANE Select); coding-DNA position 3218, C replaced by T.
Protein change: p.Thr1073Ile; replaces threonine 1073 with isoleucine.
Molecular consequence: missense variant.
Genome position (GRCh38, 1-based): chr8:144,512,162, G>A on the plus strand (C>T on the coding strand, the complement: RECQL4 is on the minus strand). VCF-style: chr8-144512162-G-A. GRCh37 (hg19) VCF-style: chr8-145737545-G-A.
Other names: short protein forms T1073I.
Identifiers: ClinVar variation 581382 (VCV000581382.10), dbSNP rs775225569, ClinGen allele CA4947881.
Genomic context (GRCh38, chr8:144,512,162, plus strand): 5'-GGGAGGGTGGATGGTCCCAGGCCCCGCCCGCCTCCTCCCAACCTGTGAAAGGCCTGGAAG[G>A]TTCTGCGCAGACGGGCCAGGGCCTGGCGCTCCCGGGCCTGCACACGGCCATAGAGGAAGT-3'
Protein context (NP_004251.4, residues 1063-1083): ERQALARLRR[Thr1073Ile]FQAFHSVAFP

ClinVar aggregate classification (germline): Conflicting classifications of pathogenicity. Review status: criteria provided, conflicting classifications (1 of 4 stars). 2 submissions from 2 submitters: Uncertain significance (1); Benign (1). Last evaluated 2026-01-13.

Conditions:
Baller-Gerold syndrome (BGS). Also called: CRANIOSYNOSTOSIS WITH RADIAL DEFECTS. Identifiers: Orphanet 1225, MedGen C0265308, MONDO:0009039, OMIM 218600.
Ovarian cancer. Also called: OVARIAN CANCER, SOMATIC. Identifiers: Orphanet 213500, MedGen C1140680, MONDO:0008170, OMIM 167000.

Allele frequency attached by ClinVar (database versions not stated): ExAC 0.00003; TOPMed 0.00003; gnomAD 0.00004 and 0.00005; gnomAD exomes 0.00004.

Submissions (2):

Labcorp Genetics (formerly Invitae), Labcorp
Classification: Uncertain significance for Baller-Gerold syndrome. Last evaluated: 2026-01-13. Review status: criteria provided, single submitter. Criteria: Invitae Variant Classification Sherloc (09022015). Collection method: clinical testing. Allele origin: germline.
Comment: This sequence change replaces threonine, which is neutral and polar, with isoleucine, which is neutral and non-polar, at codon 1073 of the RECQL4 protein (p.Thr1073Ile). This variant is present in population databases (rs775225569, gnomAD 0.03%). This variant has not been reported in the literature in individuals affected with RECQL4-related conditions. ClinVar contains an entry for this variant (Variation ID: 581382). Invitae Evidence Modeling of protein sequence and biophysical properties (such as structural, functional, and spatial information, amino acid conservation, physicochemical variation, residue mobility, and thermodynamic stability) indicates that this missense variant is not expected to disrupt RECQL4 protein function with a negative predictive value of 80%. In summary, the available evidence is currently insufficient to determine the role of this variant in disease. Therefore, it has been classified as a Variant of Uncertain Significance.

Laboratory of Molecular Epidemiology of Birth Defects, West China Second University Hospital, Sichuan University
Classification: Benign for Ovarian cancer. Last evaluated: 2022-01-01. Review status: criteria provided, single submitter. Criteria: ACMG Guidelines, 2015. Collection method: clinical testing. Allele origin: germline. Affected: yes.